The following is an entry in ClinVar:

ClinVar aggregate classification (germline): Benign (1 of 4 stars; one submission).

Conditions:
Amyotrophic lateral sclerosis type 1 (ALS1). Also called: AMYOTROPHIC LATERAL SCLEROSIS 1, FAMILIAL. Identifiers: Orphanet 803, MedGen C1862939, MONDO:0007103, OMIM 105400.

Allele frequency attached by ClinVar (database versions not stated): TOPMed 0.00073; gnomAD 0.00054 and 0.00038; 1000 Genomes Project 30x 0.00203; 1000 Genomes Project 0.00240.

Submission:

Illumina Laboratory Services, Illumina
Classification: Benign for Amyotrophic lateral sclerosis type 1. Last evaluated: 2018-01-13. Review status: criteria provided, single submitter. Criteria: ICSL Variant Classification Criteria 13 December 2019. Collection method: clinical testing. Allele origin: germline.
Comment: This variant was observed in the ICSL laboratory as part of a predisposition screen in an ostensibly healthy population. It had not been previously curated by ICSL or reported in the Human Gene Mutation Database (HGMD: prior to June 1st, 2018), and was therefore a candidate for classification through an automated scoring system. Utilizing variant allele frequency, disease prevalence and penetrance estimates, and inheritance mode, an automated score was calculated to assess if this variant is too frequent to cause the disease. Based on the score and internal cut-off values, a variant classified as benign is not then subjected to further curation. The score for this variant resulted in a classification of benign for this disease.

NM_000454.4(SOD1):c.-83T>C

Genes: SOD1 (superoxide dismutase 1; plus strand), SOD1-DT (SOD1 divergent transcript; minus strand). Cytogenetic location: 21q22.11.
Variant type: single nucleotide variant.
Coding change: c.-83T>C on transcript NM_000454.4; 83 bases upstream of the start codon, T replaced by C.
Molecular consequence: non-coding transcript variant (on NR_187558.1).
Genome position (GRCh38, 1-based): chr21:31,659,687, T>C. VCF-style: chr21-31659687-T-C. GRCh37 (hg19) VCF-style: chr21-33032000-T-C.
Identifiers: ClinVar variation 339662 (VCV000339662.7), dbSNP rs377427683, ClinGen allele CA10650345.